The following is an entry in ClinVar:

ClinVar aggregate classification (germline): Uncertain significance. Review status: criteria provided, multiple submitters, no conflicts (2 of 4 stars). 2 submissions from 2 submitters: Uncertain significance (2). Last evaluated 2024-09-01.

Conditions:
NR5A1-related disorder. Also called: NR5A1-related condition.

Allele frequency attached by ClinVar (database versions not stated): ExAC 0.00003; gnomAD 0.00003; gnomAD exomes 0.00003; TOPMed 0.00005; ESP Exome Variant Server 0.00008.

Submissions (2):

GeneDx
Classification: Uncertain significance. Last evaluated: 2024-09-01. Review status: criteria provided, single submitter. Criteria: GeneDx Variant Classification Process June 2021. Collection method: clinical testing. Allele origin: germline. Affected: yes.
Comment: Reported in a patient with hypospadias, and in a patient with bilateral cryptorchidism and orchidopexy, however, familial segregation information and additional clinical information were not provided (PMID: 33468338, 23299922); In silico analysis indicates that this missense variant does not alter protein structure/function; This variant is associated with the following publications: (PMID: 29265478, 25288771, 29723568, 33468338, 23299922)

PreventionGenetics, part of Exact Sciences
Classification: Uncertain significance for NR5A1-related condition. Last evaluated: 2023-03-14. Review status: criteria provided, single submitter. Criteria: ACMG Guidelines, 2015. Collection method: clinical testing. Allele origin: germline.
Comment: The NR5A1 c.769G>A variant is predicted to result in the amino acid substitution p.Asp257Asn. This variant has been reported in a individual with cryptozoospermia (Table 1, Röpke et al. 2013. PubMed ID: 23299922; Table 5, Sudhakar et al. 2018. PubMed ID: 29265478). It has also been reported in an individual with anterior hypospadias (Table 1, Ea et al. 2021. PubMed ID: 33468338). This variant is reported in 0.013% of alleles in individuals of South Asian descent in gnomAD. At this time, the clinical significance of this variant is uncertain due to the absence of conclusive functional and genetic evidence.

NM_004959.5(NR5A1):c.769G>A (p.Asp257Asn)

Gene: NR5A1 (nuclear receptor subfamily 5 group A member 1; minus strand). Cytogenetic location: 9q33.3.
Variant type: single nucleotide variant.
Coding change: c.769G>A on transcript NM_004959.5 (MANE Select); coding-DNA position 769, G replaced by A.
Protein change: p.Asp257Asn; replaces aspartic acid 257 with asparagine.
Molecular consequence: missense variant.
Genome position (GRCh38, 1-based): chr9:124,500,191, C>T on the plus strand (G>A on the coding strand, the complement: NR5A1 is on the minus strand). VCF-style: chr9-124500191-C-T. GRCh37 (hg19) VCF-style: chr9-127262470-C-T.
Other names: short protein forms D257N.
Identifiers: ClinVar variation 2635943 (VCV002635943.2), dbSNP rs141502483, ClinGen allele CA5235402.